The following is an entry in ClinVar:

NM_152419.3(HGSNAT):c.1330C>G (p.Arg444Gly)

Gene: HGSNAT (heparan-alpha-glucosaminide N-acetyltransferase; plus strand). Cytogenetic location: 8p11.21.
Variant type: single nucleotide variant.
Coding change: c.1330C>G on transcript NM_152419.3 (MANE Select); coding-DNA position 1330, C replaced by G.
Protein change: p.Arg444Gly; replaces arginine 444 with glycine.
Molecular consequence: missense variant.
Genome position (GRCh38, 1-based): chr8:43,192,383, C>G. VCF-style: chr8-43192383-C-G. GRCh37 (hg19) VCF-style: chr8-43047526-C-G.
Other names: c.466C>G, p.Arg156Gly (NM_001363229.2); c.1330C>G, p.Arg444Gly (NM_001363227.2); c.1138C>G, p.Arg380Gly (NM_001363228.2); short protein forms R380G, R156G, R444G.
Identifiers: ClinVar variation 1399534 (VCV001399534.5), dbSNP rs763301637, ClinGen allele CA4736845.

ClinVar aggregate classification (germline): Uncertain significance (1 of 4 stars; one submission).

Conditions:
Retinitis pigmentosa 73 (RP73). Identifiers: Orphanet 791, MedGen C4225287, MONDO:0014687, OMIM 616544.
Mucopolysaccharidosis, MPS-III-C (MPS3C). Also called: MPS IIIC (Sanfilippo Syndrome Type C); MUCOPOLYSACCHARIDOSIS, TYPE IIIC; Mucopolysaccharidosis type IIIC (Sanfilippo C); SANFILIPPO SYNDROME C; MPS III C; mucopolysaccharidosis type 3C. Identifiers: Orphanet 581, Orphanet 79271, MedGen C0086649, MONDO:0009657, OMIM 252930.

Allele frequency attached by ClinVar (database versions not stated): ExAC 0.00001.
gnomAD v4.1: 9 of 1,613,112 alleles (0.00056%); highest among the groups gnomAD compares: South Asian, 0.0088%; no homozygotes.

Submission:

Labcorp Genetics (formerly Invitae), Labcorp
Classification: Uncertain significance for Retinitis pigmentosa 73; Mucopolysaccharidosis, MPS-III-C. Last evaluated: 2021-08-24. Review status: criteria provided, single submitter. Criteria: Invitae Variant Classification Sherloc (09022015). Collection method: clinical testing. Allele origin: germline.
Comment: This sequence change replaces arginine with glycine at codon 444 of the HGSNAT protein (p.Arg444Gly). The arginine residue is highly conserved and there is a moderate physicochemical difference between arginine and glycine. This variant is present in population databases (rs763301637, ExAC 0.007%). This variant has not been reported in the literature in individuals affected with HGSNAT-related conditions. Algorithms developed to predict the effect of missense changes on protein structure and function are either unavailable or do not agree on the potential impact of this missense change (SIFT: "Tolerated"; PolyPhen-2: "Possibly Damaging"; Align-GVGD: "Class C15"). In summary, the available evidence is currently insufficient to determine the role of this variant in disease. Therefore, it has been classified as a Variant of Uncertain Significance.